The following is an entry in ClinVar:

NM_001567.4(INPPL1):c.3583G>C (p.Gly1195Arg)

Gene: INPPL1 (inositol polyphosphate phosphatase like 1; plus strand). Cytogenetic location: 11q13.4.
Variant type: single nucleotide variant.
Coding change: c.3583G>C on transcript NM_001567.4 (MANE Select); coding-DNA position 3583, G replaced by C.
Protein change: p.Gly1195Arg; replaces glycine 1195 with arginine.
Molecular consequence: missense variant.
Genome position (GRCh38, 1-based): chr11:72,238,072, G>C. VCF-style: chr11-72238072-G-C. GRCh37 (hg19) VCF-style: chr11-71949116-G-C.
Other names: short protein forms G1195R.
Identifiers: ClinVar variation 1448575 (VCV001448575.5), dbSNP rs757863805, ClinGen allele CA6170703.

ClinVar aggregate classification (germline): Uncertain significance (1 of 4 stars; one submission).

Allele frequency attached by ClinVar (database versions not stated): ExAC 0.00001; gnomAD 0.00003 and 0.00004.
gnomAD v4.1: 20 of 1,570,868 alleles (0.0013%); highest among the groups gnomAD compares: Non-Finnish European, 0.0016%; no homozygotes.

Submission:

Labcorp Genetics (formerly Invitae), Labcorp
Classification: Uncertain significance. Last evaluated: 2022-05-30. Review status: criteria provided, single submitter. Criteria: Invitae Variant Classification Sherloc (09022015). Collection method: clinical testing. Allele origin: germline.
Comment: This sequence change replaces glycine, which is neutral and non-polar, with arginine, which is basic and polar, at codon 1195 of the INPPL1 protein (p.Gly1195Arg). This variant is present in population databases (rs757863805, gnomAD 0.005%). This variant has not been reported in the literature in individuals affected with INPPL1-related conditions. ClinVar contains an entry for this variant (Variation ID: 1448575). Algorithms developed to predict the effect of missense changes on protein structure and function are either unavailable or do not agree on the potential impact of this missense change (SIFT: "Deleterious"; PolyPhen-2: "Benign"; Align-GVGD: "Class C0"). In summary, the available evidence is currently insufficient to determine the role of this variant in disease. Therefore, it has been classified as a Variant of Uncertain Significance.